The following is an entry in ClinVar:

ClinVar aggregate classification (germline): Likely pathogenic (1 of 4 stars; one submission).

Submission:

GeneDx
Classification: Likely pathogenic. Last evaluated: 2023-03-12. Review status: criteria provided, single submitter. Criteria: GeneDx Variant Classification Process June 2021. Collection method: clinical testing. Allele origin: germline. Affected: yes.
Comment: Not observed at significant frequency in large population cohorts (gnomAD); Canonical splice site variant expected to result in aberrant splicing, although in the absence of functional evidence the actual effect of this sequence change is unknown.; This variant is associated with the following publications: (PMID: 23275527)

NM_000352.6(ABCC8):c.1011+1G>A

Gene: ABCC8 (ATP binding cassette subfamily C member 8; minus strand). Cytogenetic location: 11p15.1.
Variant type: single nucleotide variant.
Coding change: c.1011+1G>A on transcript NM_000352.6 (MANE Select); the canonical splice donor site of the intron after coding-DNA position 1011, G replaced by A.
Molecular consequence: splice donor variant.
Genome position (GRCh38, 1-based): chr11:17,460,487, C>T on the plus strand (G>A on the coding strand, the complement: ABCC8 is on the minus strand). VCF-style: chr11-17460487-C-T. GRCh37 (hg19) VCF-style: chr11-17482034-C-T.
Other names: c.1008+1G>A (NM_001351297.2, NM_001351296.2); c.1011+1G>A (NM_001351295.2, NM_001287174.3).
Identifiers: ClinVar variation 2444588 (VCV002444588.1), dbSNP rs2133673996, ClinGen allele CA379775514.